The following is an entry in ClinVar:

NM_014251.3(SLC25A13):c.172G>A (p.Val58Met)

Gene: SLC25A13 (solute carrier family 25 member 13; minus strand). Cytogenetic location: 7q21.3.
Variant type: single nucleotide variant.
Coding change: c.172G>A on transcript NM_014251.3 (MANE Select); coding-DNA position 172, G replaced by A.
Protein change: p.Val58Met; replaces valine 58 with methionine.
Molecular consequence: missense variant. On other transcripts: non-coding transcript variant (1).
Genome position (GRCh38, 1-based): chr7:96,277,236, C>T on the plus strand (G>A on the coding strand, the complement: SLC25A13 is on the minus strand). VCF-style: chr7-96277236-C-T. GRCh37 (hg19) VCF-style: chr7-95906548-C-T.
Other names: c.172G>A, p.Val58Met (NM_001160210.2); c.172G>A (NM_014251.2); short protein forms V58M.
Identifiers: ClinVar variation 3704349 (VCV003704349.2).

ClinVar aggregate classification (germline): Uncertain significance. Review status: criteria provided, multiple submitters, no conflicts (2 of 4 stars). 2 submissions from 2 submitters: Uncertain significance (2). Last evaluated 2025-10-02.

Conditions:
Inborn genetic diseases. Identifiers: MedGen C0950123, MeSH D030342.
Citrin deficiency. Identifiers: Orphanet 247582, MedGen C1997910, MONDO:0016602.

gnomAD v4.1: 47 of 1,608,136 alleles (0.0029%); highest among the groups gnomAD compares: Non-Finnish European, 0.0039%; no homozygotes.

Submissions (2):

Ambry Genetics
Classification: Uncertain significance for Inborn genetic diseases. Last evaluated: 2025-10-02. Review status: criteria provided, single submitter. Criteria: Ambry Variant Classification Scheme 2023. Collection method: clinical testing. Allele origin: germline.

Labcorp Genetics (formerly Invitae), Labcorp
Classification: Uncertain significance for Citrin deficiency. Last evaluated: 2024-02-14. Review status: criteria provided, single submitter. Criteria: Invitae Variant Classification Sherloc (09022015). Collection method: clinical testing. Allele origin: germline.
Comment: This sequence change replaces valine, which is neutral and non-polar, with methionine, which is neutral and non-polar, at codon 58 of the SLC25A13 protein (p.Val58Met). This variant is present in population databases (rs774007506, gnomAD 0.006%). This variant has not been reported in the literature in individuals affected with SLC25A13-related conditions. Advanced modeling of protein sequence and biophysical properties (such as structural, functional, and spatial information, amino acid conservation, physicochemical variation, residue mobility, and thermodynamic stability) performed at Invitae indicates that this missense variant is not expected to disrupt SLC25A13 protein function with a negative predictive value of 80%. In summary, the available evidence is currently insufficient to determine the role of this variant in disease. Therefore, it has been classified as a Variant of Uncertain Significance.